The following is an entry in ClinVar:

NM_000384.3(APOB):c.4982A>G (p.Lys1661Arg)

Gene: APOB (apolipoprotein B; minus strand). Cytogenetic location: 2p24.1.
Variant type: single nucleotide variant.
Coding change: c.4982A>G on transcript NM_000384.3 (MANE Select); coding-DNA position 4982, A replaced by G.
Protein change: p.Lys1661Arg; replaces lysine 1661 with arginine.
Molecular consequence: missense variant.
Genome position (GRCh38, 1-based): chr2:21,011,886, T>C on the plus strand (A>G on the coding strand, the complement: APOB is on the minus strand). VCF-style: chr2-21011886-T-C. GRCh37 (hg19) VCF-style: chr2-21234758-T-C.
Other names: short protein forms K1661R.
Identifiers: ClinVar variation 1744538 (VCV001744538.2), dbSNP rs371684652, ClinGen allele CA061451.
Genomic context (GRCh38, chr2:21,011,886, plus strand): 5'-GATGCCCCAGAGAGGCCAAGCTCTGCATTCAGCTCATTCTCCAGCACCAGGAGACTACAC[T>C]TCAAGTTGGTCGTTGCACTGGTAGATATTCCATCTTGGCCAATCCTTAGTGTCGCCTTGT-3'
Protein context (NP_000375.3, residues 1651-1671): GISTSATTNL[Lys1661Arg]CSLLVLENEL

ClinVar aggregate classification (germline): Uncertain significance (1 of 4 stars; one submission).

Conditions:
Cardiovascular phenotype. Identifiers: MedGen CN230736.

Allele frequency attached by ClinVar (database versions not stated): gnomAD exomes below 0.00001; gnomAD 0.00001; ExAC 0.00002; TOPMed 0.00002; ESP Exome Variant Server 0.00008.
gnomAD v4.1: 3 of 1,613,890 alleles (0.00019%); highest among the groups gnomAD compares: African/African-American, 0.0027%; no homozygotes.

Submission:

Ambry Genetics
Classification: Uncertain significance for Cardiovascular phenotype. Last evaluated: 2021-12-23. Review status: criteria provided, single submitter. Criteria: Ambry Variant Classification Scheme 2023. Collection method: clinical testing. Allele origin: germline.
Comment: The p.K1661R variant (also known as c.4982A>G), located in coding exon 26 of the APOB gene, results from an A to G substitution at nucleotide position 4982. The lysine at codon 1661 is replaced by arginine, an amino acid with highly similar properties. This amino acid position is conserved. In addition, this alteration is predicted to be tolerated by in silico analysis. Since supporting evidence is limited at this time, the clinical significance of this alteration remains unclear.